The following is an entry in ClinVar:

ClinVar aggregate classification (germline): Uncertain significance (1 of 4 stars; one submission).

Allele frequency attached by ClinVar (database versions not stated): ExAC 0.00001; gnomAD 0.00001; TOPMed 0.00002.
gnomAD v4.1: 7 of 1,604,908 alleles (0.00044%); highest among the groups gnomAD compares: African/African-American, 0.0027%; no homozygotes.

Submission:

Labcorp Genetics (formerly Invitae), Labcorp
Classification: Uncertain significance. Last evaluated: 2022-08-30. Review status: criteria provided, single submitter. Criteria: Invitae Variant Classification Sherloc (09022015). Collection method: clinical testing. Allele origin: germline.
Comment: This sequence change replaces glutamine, which is neutral and polar, with histidine, which is basic and polar, at codon 1615 of the RIMS1 protein (p.Gln1615His). This variant is present in population databases (rs758074855, gnomAD 0.0009%). This variant has not been reported in the literature in individuals affected with RIMS1-related conditions. Algorithms developed to predict the effect of missense changes on protein structure and function are either unavailable or do not agree on the potential impact of this missense change (SIFT: "Deleterious"; PolyPhen-2: "Benign"; Align-GVGD: "Class C0"). In summary, the available evidence is currently insufficient to determine the role of this variant in disease. Therefore, it has been classified as a Variant of Uncertain Significance.

NM_014989.7(RIMS1):c.4845G>T (p.Gln1615His)

Gene: RIMS1 (regulating synaptic membrane exocytosis 1; plus strand). Cytogenetic location: 6q13.
Variant type: single nucleotide variant.
Coding change: c.4845G>T on transcript NM_014989.7 (MANE Select); coding-DNA position 4845, G replaced by T.
Protein change: p.Gln1615His; replaces glutamine 1615 with histidine.
Molecular consequence: missense variant.
Genome position (GRCh38, 1-based): chr6:72,399,079, G>T. VCF-style: chr6-72399079-G-T. GRCh37 (hg19) VCF-style: chr6-73108781-G-T.
Other names: c.2805G>T, p.Gln935His (NM_001168407.2); c.2220G>T, p.Gln740His (NM_001168408.2, NM_001350430.2); c.2049G>T, p.Gln683His (NM_001168409.2); c.2247G>T, p.Gln749His (NM_001168410.2); c.426G>T, p.Gln142His (NM_001168411.2); c.2766G>T, p.Gln922His (NM_001350414.2); c.2862G>T, p.Gln954His (NM_001350415.2); c.2811G>T, p.Gln937His (NM_001350416.2); and 54 more; short protein forms Q764H, Q789H, Q830H, Q851H, Q855H, Q888H, Q895H, Q902H.
Identifiers: ClinVar variation 1936841 (VCV001936841.5), dbSNP rs758074855, ClinGen allele CA3886612.